The following is an entry in ClinVar:

ClinVar aggregate classification (germline): Likely pathogenic (1 of 4 stars; one submission).

Conditions:
Pseudohypoaldosteronism type 2C (PHA2C). Also called: Pseudohypoaldosteronism Type IIC. Identifiers: Orphanet 757, Orphanet 88940, MedGen C1840391, MONDO:0013778, OMIM 614492.

Submission:

Victorian Clinical Genetics Services, Murdoch Childrens Research Institute
Classification: Likely pathogenic for Pseudohypoaldosteronism type 2C. Last evaluated: 2025-10-13. Review status: criteria provided, single submitter. Criteria: ACMG Guidelines, 2015. Collection method: clinical testing. Allele origin: germline. Affected: yes.
Comment: This variant is classified as Likely pathogenic. Evidence in support of pathogenic classification: Variant is absent from gnomAD (v2, v3 and v4); This variant has limited previous evidence of pathogenicity. This variant has been reported in a heterozygous individual with familial hyperkalemic hypertension (PMID: 32790646); This variant has moderate functional evidence supporting abnormal protein function. In vitro expression of this variant demonstrates strong inhibition of the ubiquitination pathway via ablated binding to KLHL3 (PMID: 23387299); Variant is located in the well-established acidic motif (PMID: 23387299, 32790646). Evidence in support of benign classification: Missense variant predicted to be tolerated by in silico tool(s) or not conserved in placental mammals with a minor amino acid change. Additional information: Variant is predicted to result in a missense amino acid change from Gln to Glu; This variant is heterozygous; This gene is associated with both recessive and dominant disease (OMIM); No published evidence of segregation with disease has been identified for this variant; Other missense variants comparable to the one identified in this case have inconclusive previous evidence for pathogenicity. p.(Gln636Lys) has been classified as a variant of uncertain significance by a clinical laboratory in ClinVar and p.(Gln636Arg) has been reported in two individuals with familial hyperkalemic hypertension (PMID: 32790646); Loss of function and gain of function are known mechanisms of disease in this gene and are associated with neuropathy, hereditary sensory and autonomic, type II (HSAN; MIM#201300), and pseudohypoaldosteronism, type IIC (PHA2C; MIM#614492), respectively. Variants resulting in a premature termination codon have a loss of function mechanism. Intronic deletions and missense variants within the acidic wnk motif result in increased protein expression and gain of function (PMID: 32790646, PMID: 11498583); Inheritance information for this variant is not currently available in this individual.

Literature cited by the submitters: PubMed 32790646; PubMed 11498583; PubMed 23387299.

NM_018979.4(WNK1):c.1906C>G (p.Gln636Glu)

Gene: WNK1 (WNK lysine deficient protein kinase 1; plus strand). Cytogenetic location: 12p13.33.
Variant type: single nucleotide variant.
Coding change: c.1906C>G on transcript NM_018979.4 (MANE Select); coding-DNA position 1906, C replaced by G.
Protein change: p.Gln636Glu; replaces glutamine 636 with glutamic acid.
Molecular consequence: missense variant.
Genome position (GRCh38, 1-based): chr12:861,298, C>G. VCF-style: chr12-861298-C-G. GRCh37 (hg19) VCF-style: chr12-970464-C-G.
Other names: c.1906C>G, p.Gln636Glu (NM_001184985.2, NM_014823.3, NM_213655.5); short protein forms Q636E.
Identifiers: ClinVar variation 4531439 (VCV004531439.1).